The following is an entry in ClinVar:

NM_000203.5(IDUA):c.585dup (p.Gln196fs)

Gene: IDUA (alpha-L-iduronidase; plus strand). Cytogenetic location: 4p16.3.
Variant type: Duplication.
Coding change: c.585dup on transcript NM_000203.5 (MANE Select); coding-DNA position 585, one base duplicated (G; older notation c.585dupG).
Protein change: p.Gln196fs; shifts the reading frame from glutamine 196.
Molecular consequence: frameshift variant. On other transcripts: non-coding transcript variant (1).
Genome position (GRCh38, 1-based): chr4:1,001,559, G duplicated. VCF-style (leftmost placement, unchanged base first): chr4-1001558-T-TG. GRCh37 (hg19) VCF-style: chr4-995346-T-TG.
Other names: c.189dup, p.Gln64fs (NM_001363576.1); short protein forms Q196fs, Q64fs.
Identifiers: ClinVar variation 1069822 (VCV001069822.7), dbSNP rs2153021921, ClinGen allele CA2499217010.
Genomic context (GRCh38, chr4:1,001,558, plus strand): 5'-GGAACTTCGAGACGTGGAATGAGCCAGACCACCACGACTTTGACAACGTCTCCATGACCA[T>TG]GCAAGGTGTGCACCGCTTCCTGGGGTCCTGCCCGGCTGAAAGGGGGCAGAGGAAGGCAGG-3'

ClinVar aggregate classification (germline): Pathogenic (1 of 4 stars; one submission).

Conditions:
Mucopolysaccharidosis type 1. Also called: Mucopolysaccharidosis Type I; IDUA deficiency; MPS I. Identifiers: Orphanet 579, MedGen C0023786, MONDO:0001586.

Submission:

Labcorp Genetics (formerly Invitae), Labcorp
Classification: Pathogenic for Mucopolysaccharidosis type 1. Last evaluated: 2020-09-20. Review status: criteria provided, single submitter. Criteria: Invitae Variant Classification Sherloc (09022015). Collection method: clinical testing. Allele origin: germline.
Comment: For these reasons, this variant has been classified as Pathogenic. Loss-of-function variants in IDUA are known to be pathogenic (PMID: 11735025, 21480867). This variant has not been reported in the literature in individuals with IDUA-related conditions. This variant is not present in population databases (ExAC no frequency). This sequence change creates a premature translational stop signal (p.Gln196Alafs*203) in the IDUA gene. It is expected to result in an absent or disrupted protein product.

Literature cited by the submitters: PubMed 11735025; PubMed 21480867.